The following is an entry in ClinVar:

NM_003978.5(PSTPIP1):c.214T>A (p.Ser72Thr)

Gene: PSTPIP1 (proline-serine-threonine phosphatase interacting protein 1; plus strand). Cytogenetic location: 15q24.3.
Variant type: single nucleotide variant.
Coding change: c.214T>A on transcript NM_003978.5 (MANE Select); coding-DNA position 214, T replaced by A.
Protein change: p.Ser72Thr; replaces serine 72 with threonine.
Molecular consequence: missense variant. On other transcripts: non-coding transcript variant (1).
Genome position (GRCh38, 1-based): chr15:77,025,285, T>A. VCF-style: chr15-77025285-T-A. GRCh37 (hg19) VCF-style: chr15-77317626-T-A.
Other names: c.214T>A, p.Ser72Thr (NM_001321135.2, NM_001411086.1); c.187T>A, p.Ser63Thr (NM_001321136.2); c.409T>A, p.Ser137Thr (NM_001321137.1); short protein forms S63T, S137T, S72T.
Identifiers: ClinVar variation 2775549 (VCV002775549.3), dbSNP rs866295227, ClinGen allele CA393518566.

ClinVar aggregate classification (germline): Uncertain significance (1 of 4 stars; one submission).

Conditions:
Pyogenic arthritis-pyoderma gangrenosum-acne syndrome (PAPA). Also called: FAMILIAL RECURRENT ARTHRITIS; PAPA SYNDROME. Identifiers: Orphanet 69126, MedGen C1858361, MONDO:0011462, OMIM 604416.

Submission:

Labcorp Genetics (formerly Invitae), Labcorp
Classification: Uncertain significance for Pyogenic arthritis-pyoderma gangrenosum-acne syndrome. Last evaluated: 2023-01-08. Review status: criteria provided, single submitter. Criteria: Invitae Variant Classification Sherloc (09022015). Collection method: clinical testing. Allele origin: germline.
Comment: In summary, the available evidence is currently insufficient to determine the role of this variant in disease. Therefore, it has been classified as a Variant of Uncertain Significance. Algorithms developed to predict the effect of missense changes on protein structure and function output the following: SIFT: "Tolerated"; PolyPhen-2: "Benign"; Align-GVGD: "Class C0". The threonine amino acid residue is found in multiple mammalian species, which suggests that this missense change does not adversely affect protein function. This variant has not been reported in the literature in individuals affected with PSTPIP1-related conditions. This variant is not present in population databases (gnomAD no frequency). This sequence change replaces serine, which is neutral and polar, with threonine, which is neutral and polar, at codon 72 of the PSTPIP1 protein (p.Ser72Thr).